The following is an entry in ClinVar:

ClinVar aggregate classification (germline): Likely pathogenic (1 of 4 stars; one submission).

Conditions:
Hereditary spastic paraplegia 15 (SPG15). Also called: SPASTIC PARAPLEGIA 15, AUTOSOMAL RECESSIVE; KJELLIN SYNDROME; SPASTIC PARAPLEGIA AND RETINAL DEGENERATION. Identifiers: Orphanet 100996, MedGen C1849128, MONDO:0010044, OMIM 270700.

Submission:

Myriad Genetics, Inc.
Classification: Likely pathogenic for Hereditary spastic paraplegia 15. Last evaluated: 2021-12-16. Review status: criteria provided, single submitter. Criteria: Myriad Women's Health Autosomal Recessive and X-Linked Classification Criteria (2021). Collection method: clinical testing. Allele origin: unknown.
Comment: NM_015346.3(ZFYVE26):c.1020_1021delAA(T341Sfs*18) is expected to be pathogenic in the context of spastic paraplegia type 15. This variant is predicted to lead to an abnormal or absent protein product due to the creation of a premature termination codon in ZFYVE26, a gene where loss-of-function variants are known to be pathogenic. Please note: this variant was assessed in the context of healthy population screening.

NM_015346.4(ZFYVE26):c.1020_1021del (p.Thr341fs)

Gene: ZFYVE26 (zinc finger FYVE-type containing 26; minus strand). Cytogenetic location: 14q24.1.
Variant type: Deletion.
Coding change: c.1020_1021del on transcript NM_015346.4 (MANE Select); coding-DNA positions 1020 to 1021, 2 bases deleted (AA; older notation c.1020_1021delAA).
Protein change: p.Thr341fs; shifts the reading frame from threonine 341.
Molecular consequence: frameshift variant.
Genome position (GRCh38, 1-based): chr14:67,805,615-67,805,616, TT deleted on the plus strand (AA on the coding strand, the reverse complement: ZFYVE26 is on the minus strand). VCF-style (leftmost placement, unchanged base first): chr14-67805614-GTT-G. GRCh37 (hg19) VCF-style: chr14-68272331-GTT-G.
Other names: short protein forms T341fs.
Identifiers: ClinVar variation 1726330 (VCV001726330.2), dbSNP rs2502874810, ClinGen allele CA2580088702.